The following is an entry in ClinVar:

ClinVar aggregate classification (germline): Pathogenic (1 of 4 stars; one submission).

Conditions:
Charcot-Marie-Tooth disease type 4. Also called: Charcot-Marie-Tooth disease, type IV; Charcot-Marie-Tooth, Type 4. Identifiers: Orphanet 64749, MedGen C4082197, MONDO:0018995.

Submission:

Labcorp Genetics (formerly Invitae), Labcorp
Classification: Pathogenic for Charcot-Marie-Tooth disease type 4. Last evaluated: 2024-09-05. Review status: criteria provided, single submitter. Criteria: Invitae Variant Classification Sherloc (09022015). Collection method: clinical testing. Allele origin: germline.
Comment: This sequence change creates a premature translational stop signal (p.Trp1047Cysfs*29) in the SH3TC2 gene. It is expected to result in an absent or disrupted protein product. Loss-of-function variants in SH3TC2 are known to be pathogenic (PMID: 20220177, 27068304). This variant is not present in population databases (gnomAD no frequency). This variant has not been reported in the literature in individuals affected with SH3TC2-related conditions. For these reasons, this variant has been classified as Pathogenic.

Literature cited by the submitters: PubMed 20220177; PubMed 27068304.

NM_024577.4(SH3TC2):c.3141del (p.Trp1047fs)

Gene: SH3TC2 (SH3 domain and tetratricopeptide repeats 2; minus strand). Cytogenetic location: 5q32.
Variant type: Deletion.
Coding change: c.3141del on transcript NM_024577.4 (MANE Select); coding-DNA position 3141, one base deleted (G; older notation c.3141delG).
Protein change: p.Trp1047fs; shifts the reading frame from tryptophan 1047.
Molecular consequence: frameshift variant.
Genome position (GRCh38, 1-based): chr5:149,012,647, C deleted on the plus strand (G on the coding strand, the reverse complement: SH3TC2 is on the minus strand); the first of 2 consecutive C bases (chr5:149,012,647-149,012,648); deleting either gives the same sequence. VCF-style (leftmost placement, unchanged base first): chr5-149012646-GC-G. GRCh37 (hg19) VCF-style: chr5-148392209-GC-G.
Other names: short protein forms W1047fs.
Identifiers: ClinVar variation 2807254 (VCV002807254.3), dbSNP rs2531750218, ClinGen allele CA2739272746.